The following is an entry in ClinVar:

ClinVar aggregate classification (germline): Likely benign (1 of 4 stars; one submission).

Conditions:
Multiple endocrine neoplasia, type 1 (MEN1). Also called: MEN I; WERMER SYNDROME; Endocrine adenomatosis multiple; MEN 1; MEA I. Identifiers: Orphanet 652, MedGen C0025267, MeSH D018761, MONDO:0007540, OMIM 131100.

Submission:

Myriad Genetics, Inc.
Classification: Likely benign for Multiple endocrine neoplasia, type 1. Last evaluated: 2024-11-04. Review status: criteria provided, single submitter. Criteria: Myriad Autosomal Dominant, Autosomal Recessive and X-Linked Classification Criteria (2023). Collection method: clinical testing. Allele origin: unknown.
Comment: This variant is considered likely benign. This variant is intronic and is not expected to impact mRNA splicing.

NM_001370259.2(MEN1):c.1185+7G>C

Gene: MEN1 (menin 1; minus strand). Cytogenetic location: 11q13.1.
Variant type: single nucleotide variant.
Coding change: c.1185+7G>C on transcript NM_001370259.2 (MANE Select); 7 bases into the intron after coding-DNA position 1185, G replaced by C.
Molecular consequence: intron variant.
Genome position (GRCh38, 1-based): chr11:64,805,628, C>G on the plus strand (G>C on the coding strand, the complement: MEN1 is on the minus strand). VCF-style: chr11-64805628-C-G. GRCh37 (hg19) VCF-style: chr11-64573100-C-G.
Other names: c.1185+7G>C (NM_001407152.1, NM_001407146.1, NM_001407147.1 and 3 more transcripts); c.1311+7G>C (NM_001407142.1, NM_001407143.1, NM_001407144.1 and 1 more transcripts); c.1200+7G>C (NM_130800.3, NM_001407145.1, NM_130802.3 and 4 more transcripts); c.1080+7G>C (NM_001370262.2, NM_001407148.1, NM_001407149.1 and 1 more transcripts); c.1326+7G>C (NM_001407150.1); c.1206+7G>C (NM_001407151.1).
Identifiers: ClinVar variation 3773383 (VCV003773383.1).